The following is an entry in ClinVar:

ClinVar aggregate classification (germline): Benign. Review status: criteria provided, multiple submitters, no conflicts (2 of 4 stars). 7 submissions from 5 submitters: Benign (7). Last evaluated 2026-02-03.

Conditions:
Autosomal recessive nonsyndromic hearing loss 66 (DFNB66). Also called: Deafness, autosomal recessive 66. Identifiers: Orphanet 90636, MedGen C1857750, MONDO:0012442, OMIM 610212.
Nephronophthisis 19 (NPHP19). Identifiers: Orphanet 84081, MedGen C4015542, MONDO:0014537, OMIM 616217.
Isolated neonatal sclerosing cholangitis (NSC). Also called: Sclerosing cholangitis, neonatal. Identifiers: Orphanet 480556, MedGen C4479344, MONDO:0018816, OMIM 617394.

Allele frequency attached by ClinVar (database versions not stated): 1000 Genomes Project 0.11641; 1000 Genomes Project 30x 0.11899; gnomAD exomes 0.12539 and 0.13520; ExAC 0.12927; gnomAD 0.13335 and 0.13584; TOPMed 0.14032; ESP Exome Variant Server 0.14672.
gnomAD v4.1: 218,272 of 1,612,470 alleles (14%); highest among the groups gnomAD compares: Middle Eastern, 18%; 15,520 homozygotes.

Submissions (7):

Labcorp Genetics (formerly Invitae), Labcorp
Classification: Benign for Autosomal recessive nonsyndromic hearing loss 66; Isolated neonatal sclerosing cholangitis. Last evaluated: 2026-02-03. Review status: criteria provided, single submitter. Criteria: Invitae Variant Classification Sherloc (09022015). Collection method: clinical testing. Allele origin: germline.

Blueprint Genetics
Classification: Benign. Last evaluated: 2024-11-27. Review status: criteria provided, single submitter. Criteria: ACMG Guidelines, 2015. Collection method: clinical testing. Allele origin: germline.

Mayo Clinic Laboratories, Mayo Clinic
Classification: Benign. Last evaluated: 2022-04-29. Review status: criteria provided, single submitter. Criteria: ACMG Guidelines, 2015. Collection method: clinical testing. Allele origin: germline. Observed: 213 variant alleles.

Genome-Nilou Lab
Classification: Benign for Autosomal recessive nonsyndromic hearing loss 66. Last evaluated: 2021-07-30. Review status: criteria provided, single submitter. Criteria: ACMG Guidelines, 2015. Collection method: clinical testing. Allele origin: germline. Affected: no.

Genome-Nilou Lab
Classification: Benign for Nephronophthisis 19. Last evaluated: 2021-07-30. Review status: criteria provided, single submitter. Criteria: ACMG Guidelines, 2015. Collection method: clinical testing. Allele origin: germline. Affected: no.

Genome-Nilou Lab
Classification: Benign for Isolated neonatal sclerosing cholangitis. Last evaluated: 2021-07-30. Review status: criteria provided, single submitter. Criteria: ACMG Guidelines, 2015. Collection method: clinical testing. Allele origin: germline. Affected: no.

GeneDx
Classification: Benign. Last evaluated: 2017-08-16. Review status: criteria provided, single submitter. Criteria: GeneDx Variant Classification (06012015). Collection method: clinical testing. Allele origin: germline. Affected: yes.
Comment: This variant is considered likely benign or benign based on one or more of the following criteria: it is a conservative change, it occurs at a poorly conserved position in the protein, it is predicted to be benign by multiple in silico algorithms, and/or has population frequency not consistent with disease.

NM_016356.5(DCDC2):c.1017C>T (p.Val339=)

Gene: DCDC2 (doublecortin domain containing 2; minus strand). Cytogenetic location: 6p22.3.
Variant type: single nucleotide variant.
Coding change: c.1017C>T on transcript NM_016356.5 (MANE Select); coding-DNA position 1017, C replaced by T.
Protein change: p.Val339=; no amino-acid change (valine 339 retained).
Molecular consequence: synonymous variant.
Genome position (GRCh38, 1-based): chr6:24,205,008, G>A on the plus strand (C>T on the coding strand, the complement: DCDC2 is on the minus strand). VCF-style: chr6-24205008-G-A. GRCh37 (hg19) VCF-style: chr6-24205236-G-A.
Other names: p.Val339=; c.1017C>T, p.Val339= (NM_001195610.2).
Identifiers: ClinVar variation 517825 (VCV000517825.15), dbSNP rs9467075, ClinGen allele CA3654542.
Genomic context (GRCh38, chr6:24,205,008, plus strand): 5'-GGAAAAAAAACACTATAATTGTCTTACACATATTTTTTAAGGCATGGAGATTACCTGATC[G>A]ACTGGAACCTCAACCTGAGTATCTTCATCTTCTTGGACTTCTGCTGCCCCCCGTGTTTCA-3'
Protein context (NP_057440.2, residues 329-349): EDEDTQVEVP[Val339=]DQRPAEIVDE